The following is an entry in ClinVar:

NM_004183.4(BEST1):c.918G>C (p.Glu306Asp)

Gene: BEST1 (bestrophin 1; plus strand). Cytogenetic location: 11q12.3.
Variant type: single nucleotide variant.
Coding change: c.918G>C on transcript NM_004183.4 (MANE Select); coding-DNA position 918, G replaced by C.
Protein change: p.Glu306Asp; replaces glutamic acid 306 with aspartic acid.
Molecular consequence: missense variant. On other transcripts: non-coding transcript variant (1), intron variant (1).
Genome position (GRCh38, 1-based): chr11:61,959,548, G>C. VCF-style: chr11-61959548-G-C. GRCh37 (hg19) VCF-style: chr11-61727020-G-C.
Other names: c.-55G>C (NM_001363593.3); c.688-344G>C (NM_001300786.2); c.738G>C, p.Glu246Asp (NM_001139443.3, NM_001300787.2); c.600G>C, p.Glu200Asp (NM_001363591.3); c.1121G>C, p.Arg374Thr (NM_001363592.2); short protein forms E306D, E200D, E246D, R374T.
Identifiers: ClinVar variation 99780 (VCV000099780.4), dbSNP rs281865267, ClinGen allele CA227852.

ClinVar aggregate classification (germline): Pathogenic. Review status: criteria provided, single submitter (1 of 4 stars). 2 submissions from 2 submitters: Pathogenic (1). 1 of the submissions does not count toward it. Last evaluated 2023-03-14.

Submissions (2):

Labcorp Genetics (formerly Invitae), Labcorp
Classification: Pathogenic. Last evaluated: 2023-03-14. Review status: criteria provided, single submitter. Criteria: Invitae Variant Classification Sherloc (09022015). Collection method: clinical testing. Allele origin: germline.
Comment: This variant is not present in population databases (gnomAD no frequency). For these reasons, this variant has been classified as Pathogenic. This variant disrupts the p.Glu306 amino acid residue in BEST1. Other variant(s) that disrupt this residue have been determined to be pathogenic (PMID: 19029375; Invitae). This suggests that this residue is clinically significant, and that variants that disrupt this residue are likely to be disease-causing. Advanced modeling of protein sequence and biophysical properties (such as structural, functional, and spatial information, amino acid conservation, physicochemical variation, residue mobility, and thermodynamic stability) performed at Invitae indicates that this missense variant is expected to disrupt BEST1 protein function. ClinVar contains an entry for this variant (Variation ID: 99780). This missense change has been observed in individuals with clinical features of autosomal dominant BEST1-related conditions (PMID: 10798642, 26201355; Invitae). This sequence change replaces glutamic acid, which is acidic and polar, with aspartic acid, which is acidic and polar, at codon 306 of the BEST1 protein (p.Glu306Asp).

Retina International
No classification provided. Review status: no classification provided. Collection method: not provided. Allele origin: not provided. Not counted in ClinVar's aggregate classification.

Literature cited by the submitters: PubMed 19029375 (cited by Labcorp Genetics (formerly Invitae), Labcorp); PubMed 10798642 (cited by Labcorp Genetics (formerly Invitae), Labcorp); PubMed 26201355 (cited by Labcorp Genetics (formerly Invitae), Labcorp).